The following is an entry in ClinVar:

ClinVar aggregate classification (germline): Uncertain significance. Review status: criteria provided, multiple submitters, no conflicts (2 of 4 stars). 3 submissions from 3 submitters: Uncertain significance (3). Last evaluated 2023-09-11.

Conditions:
Muscular dystrophy-dystroglycanopathy (congenital with impaired intellectual development), type B, 2. Also called: Muscular dystrophy-dystroglycanopathy (congenital with intellectual disability), type B2; MUSCULAR DYSTROPHY, CONGENITAL, POMT2-RELATED. Identifiers: MedGen C3150416, MONDO:0013160, OMIM 613156.
Autosomal recessive limb-girdle muscular dystrophy type 2N. Also called: MUSCULAR DYSTROPHY-DYSTROGLYCANOPATHY, LIMB-GIRDLE, POMT2-RELATED; Muscular dystrophy-dystroglycanopathy (limb-girdle), type C, 2. Identifiers: Orphanet 206559, MedGen C3150418, MONDO:0013162, OMIM 613158.
Muscular dystrophy-dystroglycanopathy (congenital with brain and eye anomalies), type A2. Also called: MUSCULAR DYSTROPHY-DYSTROGLYCANOPATHY (CONGENITAL WITH BRAIN AND EYE ANOMALIES), TYPE A, 2; WALKER-WARBURG SYNDROME OR MUSCLE-EYE-BRAIN DISEASE, POMT2-RELATED. Identifiers: Orphanet 588, Orphanet 899, MedGen C3150411, MONDO:0013154, OMIM 613150.

Allele frequency attached by ClinVar (database versions not stated): TOPMed 0.00001.
gnomAD v4.1: 1 of 1,613,794 alleles (0.000062%); highest among the groups gnomAD compares: Non-Finnish European, 0.000085%; no homozygotes.

Submissions (3):

Revvity Omics, Revvity
Classification: Uncertain significance. Last evaluated: 2023-09-11. Review status: criteria provided, single submitter. Criteria: ACMG Guidelines, 2015. Collection method: clinical testing. Allele origin: germline.

Athena Diagnostics
Classification: Uncertain significance. Last evaluated: 2022-03-01. Review status: criteria provided, single submitter. Criteria: Athena Diagnostics Criteria. Collection method: clinical testing. Allele origin: unknown.

Labcorp Genetics (formerly Invitae), Labcorp
Classification: Uncertain significance for Muscular dystrophy-dystroglycanopathy (congenital with impaired intellectual development), type B, 2; Muscular dystrophy-dystroglycanopathy (congenital with brain and eye anomalies), type A2; Autosomal recessive limb-girdle muscular dystrophy type 2N. Last evaluated: 2021-07-28. Review status: criteria provided, single submitter. Criteria: Invitae Variant Classification Sherloc (09022015). Collection method: clinical testing. Allele origin: germline.
Comment: This sequence change replaces methionine with threonine at codon 207 of the POMT2 protein (p.Met207Thr). The methionine residue is moderately conserved and there is a moderate physicochemical difference between methionine and threonine. This variant is not present in population databases (ExAC no frequency). This variant has not been reported in the literature in individuals affected with POMT2-related conditions. Algorithms developed to predict the effect of missense changes on protein structure and function are either unavailable or do not agree on the potential impact of this missense change (SIFT: "Deleterious"; PolyPhen-2: "Benign"; Align-GVGD: "Class C15"). In summary, the available evidence is currently insufficient to determine the role of this variant in disease. Therefore, it has been classified as a Variant of Uncertain Significance.

NM_013382.7(POMT2):c.620T>C (p.Met207Thr)

Gene: POMT2 (protein O-mannosyltransferase 2; minus strand). Cytogenetic location: 14q24.3.
Variant type: single nucleotide variant.
Coding change: c.620T>C on transcript NM_013382.7 (MANE Select); coding-DNA position 620, T replaced by C.
Protein change: p.Met207Thr; replaces methionine 207 with threonine.
Molecular consequence: missense variant.
Genome position (GRCh38, 1-based): chr14:77,302,871, A>G on the plus strand (T>C on the coding strand, the complement: POMT2 is on the minus strand). VCF-style: chr14-77302871-A-G. GRCh37 (hg19) VCF-style: chr14-77769214-A-G.
Other names: short protein forms M207T.
Identifiers: ClinVar variation 1461840 (VCV001461840.5), dbSNP rs1326409250, ClinGen allele CA390520498.